The following is an entry in ClinVar:

NM_000123.4(ERCC5):c.3356C>T (p.Ala1119Val)

Genes: BIVM-ERCC5 (BIVM-ERCC5 readthrough; plus strand), ERCC5 (ERCC excision repair 5, endonuclease; plus strand). Cytogenetic location: 13q33.1.
Variant type: single nucleotide variant.
Coding change: c.3356C>T on transcript NM_000123.4 (MANE Select); coding-DNA position 3356, C replaced by T.
Protein change: p.Ala1119Val; replaces alanine 1119 with valine.
Molecular consequence: missense variant.
Genome position (GRCh38, 1-based): chr13:102,875,698, C>T. VCF-style: chr13-102875698-C-T. GRCh37 (hg19) VCF-style: chr13-103528048-C-T.
Other names: c.4718C>T (NM_001204425.1); c.4718C>T, p.Ala1573Val (NM_001204425.2); short protein forms A1119V, A1573V.
Identifiers: ClinVar variation 134169 (VCV000134169.24), dbSNP rs2227871, ClinGen allele CA158978.

ClinVar aggregate classification (germline): Conflicting classifications of pathogenicity. Review status: criteria provided, conflicting classifications (1 of 4 stars). 9 submissions from 9 submitters: Uncertain significance (1); Benign (1); Likely benign (3). 4 of the submissions do not count toward it. Last evaluated 2026-01-27.

Conditions:
ERCC5-related disorder. Also called: ERCC5-related condition.
Hereditary cancer-predisposing syndrome. Also called: Tumor predisposition; Hereditary neoplastic syndrome; Neoplastic Syndromes, Hereditary; Hereditary Cancer Syndrome. Identifiers: Orphanet 140162, MedGen C0027672, MeSH D009386, MONDO:0015356.
Xeroderma pigmentosum, group G (XPG). Also called: XERODERMA PIGMENTOSUM VII; XP, GROUP G; Xeroderma pigmentosum type 7; ERCC5-Related Xeroderma Pigmentosum. Identifiers: MedGen C0268141, MONDO:0010216, OMIM 278780.

Allele frequency attached by ClinVar (database versions not stated): TOPMed 0.00110; ESP Exome Variant Server 0.00115; gnomAD 0.00116 and 0.00122; ExAC 0.00132; 1000 Genomes Project 30x 0.00219; 1000 Genomes Project 0.00240.
gnomAD v4.1: 1,965 of 1,614,006 alleles (0.12%); highest among the groups gnomAD compares: South Asian, 0.22%; 8 homozygotes.

Submissions (9):

Labcorp Genetics (formerly Invitae), Labcorp
Classification: Benign. Last evaluated: 2026-01-27. Review status: criteria provided, single submitter. Criteria: Invitae Variant Classification Sherloc (09022015). Collection method: clinical testing. Allele origin: germline.

Blueprint Genetics
Classification: Likely benign. Last evaluated: 2024-11-19. Review status: criteria provided, single submitter. Criteria: ACMG Guidelines, 2015. Collection method: clinical testing. Allele origin: germline.

Institute for Clinical Genetics, University Hospital TU Dresden, University Hospital TU Dresden
Classification: Uncertain significance. Last evaluated: 2021-11-03. Review status: criteria provided, single submitter. Criteria: ACMG Guidelines, 2015. Collection method: clinical testing. Allele origin: germline.

Sema4
Classification: Likely benign for Hereditary cancer-predisposing syndrome. Last evaluated: 2021-07-01. Review status: criteria provided, single submitter. Criteria: Sema4 Curation Guidelines. Collection method: curation. Allele origin: germline.

Illumina Laboratory Services, Illumina
Classification: Likely benign for Xeroderma pigmentosum, group G. Last evaluated: 2017-04-27. Review status: criteria provided, single submitter. Criteria: ICSL Variant Classification Criteria 13 December 2019. Collection method: clinical testing. Allele origin: germline.
Comment: This variant was observed as part of a predisposition screen in an ostensibly healthy population. A literature search was performed for the gene, cDNA change, and amino acid change (where applicable). Publications were found based on this search. The evidence from the literature, in combination with allele frequency data from public databases where available, was sufficient to determine this variant is unlikely to cause disease. Therefore, this variant is classified as likely benign.

PreventionGenetics, part of Exact Sciences
Classification: Likely benign for ERCC5-related condition. Last evaluated: 2023-12-26. Review status: no assertion criteria provided. Collection method: clinical testing. Allele origin: germline. Not counted in ClinVar's aggregate classification.
Comment: This variant is classified as likely benign based on ACMG/AMP sequence variant interpretation guidelines (Richards et al. 2015 PMID: 25741868, with internal and published modifications).

ITMI
No classification provided. Condition: AllHighlyPenetrant. Last evaluated: 2013-09-19. Review status: no classification provided. Collection method: reference population. Allele origin: germline. Not counted in ClinVar's aggregate classification.
Comment: Please see associated publication for description of ethnicities

Diagnostic Laboratory, Department of Genetics, University Medical Center Groningen
Classification: Likely benign. Review status: no assertion criteria provided. Collection method: clinical testing. Allele origin: germline. Affected: yes. Study: VKGL Data-share Consensus. Not counted in ClinVar's aggregate classification.

Genome Diagnostics Laboratory, University Medical Center Utrecht
Classification: Likely benign. Review status: no assertion criteria provided. Collection method: clinical testing. Allele origin: germline. Affected: yes. Study: VKGL Data-share Consensus. Not counted in ClinVar's aggregate classification.

Literature cited by the submitters: PubMed 15682379 (cited by Illumina Laboratory Services, Illumina); PubMed 16550608 (cited by Illumina Laboratory Services, Illumina); PubMed 24728327 (cited by ITMI).